The following is an entry in ClinVar:

NM_006204.4(PDE6C):c.1334T>C (p.Leu445Pro)

Gene: PDE6C (phosphodiesterase 6C; plus strand). Cytogenetic location: 10q23.33.
Variant type: single nucleotide variant.
Coding change: c.1334T>C on transcript NM_006204.4 (MANE Select); coding-DNA position 1334, T replaced by C.
Protein change: p.Leu445Pro; replaces leucine 445 with proline.
Molecular consequence: missense variant.
Genome position (GRCh38, 1-based): chr10:93,635,561, T>C. VCF-style: chr10-93635561-T-C. GRCh37 (hg19) VCF-style: chr10-95395318-T-C.
Other names: short protein forms L445P.
Identifiers: ClinVar variation 2124925 (VCV002124925.4), dbSNP rs914910477, ClinGen allele CA211536316.

ClinVar aggregate classification (germline): Uncertain significance (1 of 4 stars; one submission).

Allele frequency attached by ClinVar (database versions not stated): gnomAD 0.00001; TOPMed 0.00001.
gnomAD v4.1: 1 of 1,613,236 alleles (0.000062%); highest among the groups gnomAD compares: African/African-American, 0.0013%; no homozygotes.

Submission:

Labcorp Genetics (formerly Invitae), Labcorp
Classification: Uncertain significance. Last evaluated: 2023-11-16. Review status: criteria provided, single submitter. Criteria: Invitae Variant Classification Sherloc (09022015). Collection method: clinical testing. Allele origin: germline.
Comment: This sequence change replaces leucine, which is neutral and non-polar, with proline, which is neutral and non-polar, at codon 445 of the PDE6C protein (p.Leu445Pro). This variant is not present in population databases (gnomAD no frequency). This variant has not been reported in the literature in individuals affected with PDE6C-related conditions. ClinVar contains an entry for this variant (Variation ID: 2124925). Advanced modeling of protein sequence and biophysical properties (such as structural, functional, and spatial information, amino acid conservation, physicochemical variation, residue mobility, and thermodynamic stability) has been performed at Invitae for this missense variant, however the output from this modeling did not meet the statistical confidence thresholds required to predict the impact of this variant on PDE6C protein function. In summary, the available evidence is currently insufficient to determine the role of this variant in disease. Therefore, it has been classified as a Variant of Uncertain Significance.